The following is an entry in ClinVar:

NM_000108.5(DLD):c.748G>T (p.Gly250Ter)

Gene: DLD (dihydrolipoamide dehydrogenase; plus strand). Cytogenetic location: 7q31.1.
Variant type: single nucleotide variant.
Coding change: c.748G>T on transcript NM_000108.5 (MANE Select); coding-DNA position 748, G replaced by T.
Protein change: p.Gly250Ter; replaces glycine 250 with a stop codon.
Molecular consequence: nonsense.
Genome position (GRCh38, 1-based): chr7:107,915,569, G>T. VCF-style: chr7-107915569-G-T. GRCh37 (hg19) VCF-style: chr7-107556014-G-T.
Other names: c.451G>T, p.Gly151Ter (NM_001289750.1); c.679G>T, p.Gly227Ter (NM_001289751.1); c.604G>T, p.Gly202Ter (NM_001289752.1); short protein forms G151*, G202*, G227*, G250*.
Identifiers: ClinVar variation 983930 (VCV000983930.3), dbSNP rs2032247686, ClinGen allele CA368856970.

ClinVar aggregate classification (germline): Likely pathogenic (1 of 4 stars; one submission).

Conditions:
Pyruvate dehydrogenase E3 deficiency (DLDD). Also called: Dihydrolipoamide Dehydrogenase E3 Deficiency; DLD DEFICIENCY; E3 DEFICIENCY; Dihydrolipoamide Dehydrogenase (E3) Deficiency; Lipoamide dehydrogenase deficiency; MAPLE SYRUP URINE DISEASE, TYPE III. Identifiers: Orphanet 2394, Orphanet 765, MedGen C5574660, MONDO:0009529, OMIM 246900.

Submission:

Myriad Genetics, Inc.
Classification: Likely pathogenic for Pyruvate dehydrogenase E3 deficiency. Last evaluated: 2019-10-05. Review status: criteria provided, single submitter. Criteria: Myriad Women's Health Autosomal Recessive and X-Linked Classification Criteria (2019). Collection method: clinical testing. Allele origin: unknown.
Comment: NM_000108.3(DLD):c.748G>T(G250*) is expected to be pathogenic in the context of dihydrolipoamide dehydrogenase deficiency. This variant is predicted to lead to an abnormal or absent protein product due to the creation of a premature termination codon in DLD, a gene where loss-of-function variants are known to be pathogenic. Please note: this variant was assessed in the context of healthy population screening.